The following is an entry in ClinVar:

ClinVar aggregate classification (germline): Benign. Review status: criteria provided, multiple submitters, no conflicts (2 of 4 stars). 7 submissions from 7 submitters: Benign (7). Last evaluated 2026-02-04.

Conditions:
Osteopetrosis. Identifiers: Orphanet 2781, MedGen C0029454, MONDO:0017198, HP:0011002.

Allele frequency attached by ClinVar (database versions not stated): 1000 Genomes Project 30x 0.06418; gnomAD exomes 0.07073 and 0.09659; ExAC 0.10901; ESP Exome Variant Server 0.10411; gnomAD 0.09357 and 0.09695; 1000 Genomes Project 0.06210; TOPMed 0.09964.
gnomAD v4.1: 151,939 of 1,578,122 alleles (9.6%); highest among the groups gnomAD compares: African/African-American, 12%; 8,168 homozygotes.

Submissions (7):

Labcorp Genetics (formerly Invitae), Labcorp
Classification: Benign. Last evaluated: 2026-02-04. Review status: criteria provided, single submitter. Criteria: Invitae Variant Classification Sherloc (09022015). Collection method: clinical testing. Allele origin: germline.

Mayo Clinic Laboratories, Mayo Clinic
Classification: Benign. Last evaluated: 2022-09-06. Review status: criteria provided, single submitter. Criteria: ACMG Guidelines, 2015. Collection method: clinical testing. Allele origin: germline. Observed: 9 variant alleles.

GeneDx
Classification: Benign. Last evaluated: 2021-06-09. Review status: criteria provided, single submitter. Criteria: GeneDx Variant Classification Process June 2021. Collection method: clinical testing. Allele origin: germline. Affected: yes.

Illumina Laboratory Services, Illumina
Classification: Benign for Osteopetrosis. Last evaluated: 2018-01-12. Review status: criteria provided, single submitter. Criteria: ICSL Variant Classification Criteria 13 December 2019. Collection method: clinical testing. Allele origin: germline.
Comment: This variant was observed in the ICSL laboratory as part of a predisposition screen in an ostensibly healthy population. It had not been previously curated by ICSL or reported in the Human Gene Mutation Database (HGMD: prior to June 1st, 2018), and was therefore a candidate for classification through an automated scoring system. Utilizing variant allele frequency, disease prevalence and penetrance estimates, and inheritance mode, an automated score was calculated to assess if this variant is too frequent to cause the disease. Based on the score and internal cut-off values, a variant classified as benign is not then subjected to further curation. The score for this variant resulted in a classification of benign for this disease.

Eurofins Ntd Llc (ga)
Classification: Benign. Last evaluated: 2016-06-22. Review status: criteria provided, single submitter. Criteria: EGL Classification Definitions 2015. Collection method: clinical testing. Allele origin: germline. Observed: 1 variant allele, 1 heterozygote.

Breakthrough Genomics
Classification: Benign. Review status: criteria provided, single submitter. Criteria: ACMG Guidelines, 2015. Collection method: not provided. Allele origin: germline. Inheritance: Autosomal recessive inheritance. Affected: yes.

PreventionGenetics, part of Exact Sciences
Classification: Benign. Review status: criteria provided, single submitter. Criteria: ACMG Guidelines, 2015. Collection method: clinical testing. Allele origin: germline.

NM_001287.6(CLCN7):c.1245T>C (p.Ile415=)

Gene: CLCN7 (Cl-/H+ antiporter 7; minus strand). Cytogenetic location: 16p13.3.
Variant type: single nucleotide variant.
Coding change: c.1245T>C on transcript NM_001287.6 (MANE Select); coding-DNA position 1245, T replaced by C.
Protein change: p.Ile415=; no amino-acid change (isoleucine 415 retained).
Molecular consequence: synonymous variant.
Genome position (GRCh38, 1-based): chr16:1,452,863, A>G on the plus strand (T>C on the coding strand, the complement: CLCN7 is on the minus strand). VCF-style: chr16-1452863-A-G. GRCh37 (hg19) VCF-style: chr16-1502864-A-G.
Other names: p.Ile415=; c.1173T>C, p.Ile391= (NM_001114331.3).
Identifiers: ClinVar variation 257950 (VCV000257950.22), dbSNP rs12926669, ClinGen allele CA7810343.